The following is an entry in ClinVar:

NM_006949.4(STXBP2):c.1696+20A>G

Gene: STXBP2 (syntaxin binding protein 2; plus strand). Cytogenetic location: 19p13.2.
Variant type: single nucleotide variant.
Coding change: c.1696+20A>G on transcript NM_006949.4 (MANE Select); 20 bases into the intron after coding-DNA position 1696, A replaced by G.
Molecular consequence: intron variant.
Genome position (GRCh38, 1-based): chr19:7,647,531, A>G. VCF-style: chr19-7647531-A-G. GRCh37 (hg19) VCF-style: chr19-7712417-A-G.
Other names: c.1729+20A>G (NM_001272034.2); c.1687+20A>G (NM_001127396.3).
Identifiers: ClinVar variation 260099 (VCV000260099.16), dbSNP rs2303113, ClinGen allele CA9144295.
Genomic context (GRCh38, chr19:7,647,531, plus strand): 5'-GGTGACCAGGGCCACCGAGGGCAAGTGGGAGGTGCTCATTGGTAAGTCACCAGGACTGGG[A>G]CCCTGGGGTCTGGGGCTTGGGTTCCCGGGGCCTGGGCTTGTACCTTCTAGGTGTCTGGAC-3'

ClinVar aggregate classification (germline): Benign/Likely benign. Review status: criteria provided, multiple submitters, no conflicts (2 of 4 stars). 6 submissions from 6 submitters: Benign (5); Likely benign (1). Last evaluated 2026-02-04.

Conditions:
Familial hemophagocytic lymphohistiocytosis 5. Also called: STXBP2-Related Familial Hemophagocytic Lymphohistiocytosis (STXBP2-fHLH). Identifiers: Orphanet 540, MedGen C2751293, MONDO:0013135, OMIM 613101.

Allele frequency attached by ClinVar (database versions not stated): gnomAD exomes 0.03589 and 0.08344; ESP Exome Variant Server 0.06356; ExAC 0.08318; gnomAD 0.08971 and 0.09430; TOPMed 0.10121; 1000 Genomes Project 30x 0.18816; 1000 Genomes Project 0.19609.
gnomAD v4.1: 66,945 of 1,580,132 alleles (4.2%); highest among the groups gnomAD compares: East Asian, 49%; 7,649 homozygotes.

Submissions (6):

Labcorp Genetics (formerly Invitae), Labcorp
Classification: Benign for Familial hemophagocytic lymphohistiocytosis 5. Last evaluated: 2026-02-04. Review status: criteria provided, single submitter. Criteria: Invitae Variant Classification Sherloc (09022015). Collection method: clinical testing. Allele origin: germline.

Blueprint Genetics
Classification: Likely benign. Last evaluated: 2024-11-28. Review status: criteria provided, single submitter. Criteria: ACMG Guidelines, 2015. Collection method: clinical testing. Allele origin: germline.

Unidad de Genómica Garrahan, Hospital de Pediatría Garrahan
Classification: Benign. Last evaluated: 2024-01-24. Review status: criteria provided, single submitter. Criteria: ACMG Guidelines, 2015. Collection method: clinical testing. Allele origin: germline. Affected: no. Observed: 20 variant alleles.
Comment: This variant is classified as Benign based on local population frequency. This variant was detected in 21% of patients studied by a panel of primary immunodeficiencies. Number of patients: 20. Only high quality variants are reported.

GeneDx
Classification: Benign. Last evaluated: 2018-11-12. Review status: criteria provided, single submitter. Criteria: GeneDx Variant Classification Process June 2021. Collection method: clinical testing. Allele origin: germline. Affected: yes.

Breakthrough Genomics
Classification: Benign. Review status: criteria provided, single submitter. Criteria: ACMG Guidelines, 2015. Collection method: not provided. Allele origin: germline. Inheritance: Autosomal recessive inheritance. Affected: yes.

PreventionGenetics, part of Exact Sciences
Classification: Benign. Review status: criteria provided, single submitter. Criteria: ACMG Guidelines, 2015. Collection method: clinical testing. Allele origin: germline.